The following is an entry in ClinVar:

NM_000188.3(HK1):c.937A>G (p.Met313Val)

Gene: HK1 (hexokinase 1; plus strand). Cytogenetic location: 10q22.1.
Variant type: single nucleotide variant.
Coding change: c.937A>G on transcript NM_000188.3 (MANE Select); coding-DNA position 937, A replaced by G.
Protein change: p.Met313Val; replaces methionine 313 with valine.
Molecular consequence: missense variant.
Genome position (GRCh38, 1-based): chr10:69,376,995, A>G. VCF-style: chr10-69376995-A-G. GRCh37 (hg19) VCF-style: chr10-71136751-A-G.
Other names: c.949A>G, p.Met317Val (NM_001322364.2, NM_001358263.1, NM_033497.3 and 1 more transcripts); c.1042A>G, p.Met348Val (NM_001322365.2); c.853A>G, p.Met285Val (NM_001322366.1); c.841A>G, p.Met281Val (NM_001322367.1); c.934A>G, p.Met312Val (NM_033496.3); c.901A>G, p.Met301Val (NM_033500.2); short protein forms M348V, M312V, M285V, M317V, M281V, M301V, M313V.
Identifiers: ClinVar variation 933664 (VCV000933664.9), dbSNP rs764735675, ClinGen allele CA5532454.

ClinVar aggregate classification (germline): Uncertain significance (1 of 4 stars; one submission).

Allele frequency attached by ClinVar (database versions not stated): gnomAD 0.00001; TOPMed 0.00002.
gnomAD v4.1: 3 of 1,614,062 alleles (0.00019%); highest among the groups gnomAD compares: African/African-American, 0.0027%; no homozygotes.

Submission:

Labcorp Genetics (formerly Invitae), Labcorp
Classification: Uncertain significance. Last evaluated: 2023-08-04. Review status: criteria provided, single submitter. Criteria: Invitae Variant Classification Sherloc (09022015). Collection method: clinical testing. Allele origin: germline.
Comment: This sequence change replaces methionine, which is neutral and non-polar, with valine, which is neutral and non-polar, at codon 313 of the HK1 protein (p.Met313Val). This variant is present in population databases (rs764735675, gnomAD 0.003%). In summary, the available evidence is currently insufficient to determine the role of this variant in disease. Therefore, it has been classified as a Variant of Uncertain Significance. Advanced modeling of protein sequence and biophysical properties (such as structural, functional, and spatial information, amino acid conservation, physicochemical variation, residue mobility, and thermodynamic stability) performed at Invitae indicates that this missense variant is not expected to disrupt HK1 protein function. ClinVar contains an entry for this variant (Variation ID: 933664). This variant has not been reported in the literature in individuals affected with HK1-related conditions.